The following is an entry in ClinVar:

ClinVar aggregate classification (germline): Uncertain significance (1 of 4 stars; one submission).

Submission:

Labcorp Genetics (formerly Invitae), Labcorp
Classification: Uncertain significance. Last evaluated: 2023-11-20. Review status: criteria provided, single submitter. Criteria: Invitae Variant Classification Sherloc (09022015). Collection method: clinical testing. Allele origin: germline.
Comment: This sequence change replaces valine, which is neutral and non-polar, with leucine, which is neutral and non-polar, at codon 322 of the EMC1 protein (p.Val322Leu). This variant is not present in population databases (gnomAD no frequency). This variant has not been reported in the literature in individuals affected with EMC1-related conditions. ClinVar contains an entry for this variant (Variation ID: 1721743). Advanced modeling of protein sequence and biophysical properties (such as structural, functional, and spatial information, amino acid conservation, physicochemical variation, residue mobility, and thermodynamic stability) performed at Invitae indicates that this missense variant is not expected to disrupt EMC1 protein function with a negative predictive value of 80%. In summary, the available evidence is currently insufficient to determine the role of this variant in disease. Therefore, it has been classified as a Variant of Uncertain Significance.

NM_015047.3(EMC1):c.964G>C (p.Val322Leu)

Genes: EMC1 (ER membrane protein complex subunit 1; minus strand), EMC1-AS1 (EMC1 antisense RNA 1; plus strand). Cytogenetic location: 1p36.13.
Variant type: single nucleotide variant.
Coding change: c.964G>C on transcript NM_015047.3 (MANE Select); coding-DNA position 964, G replaced by C.
Protein change: p.Val322Leu; replaces valine 322 with leucine.
Molecular consequence: missense variant.
Genome position (GRCh38, 1-based): chr1:19,239,293, C>G on the plus strand (G>C on the coding strand, the complement: EMC1 is on the minus strand). VCF-style: chr1-19239293-C-G. GRCh37 (hg19) VCF-style: chr1-19565787-C-G.
Other names: c.964G>C, p.Val322Leu (NM_001271427.2, NM_001271428.2, NM_001375820.1 and 1 more transcripts); c.898G>C, p.Val300Leu (NM_001271429.2); short protein forms V300L, V322L.
Identifiers: ClinVar variation 1721743 (VCV001721743.5), dbSNP rs1224456846, ClinGen allele CA338767814.
Genomic context (GRCh38, chr1:19,239,293, plus strand): 5'-CTTCATTCCGACAGGCCATGACTGCAGCCACCGTCTTCTCCCCAGTGGTGGCAAAGCTCA[C>G]TAGGGCAGTCTGGGGGAAAAGCAAGGCATCAGCTCCTAAATGGGACCAGTACTAGCCAGC-3'
Protein context (NP_055862.1, residues 312-332): LLKNFPQTAL[Val322Leu]SFATTGEKTV